The following is an entry in ClinVar:

NM_015021.3(ZNF292):c.6542G>A (p.Arg2181Gln)

Gene: ZNF292 (zinc finger protein 292; plus strand). Cytogenetic location: 6q14.3.
Variant type: single nucleotide variant.
Coding change: c.6542G>A on transcript NM_015021.3 (MANE Select); coding-DNA position 6542, G replaced by A.
Protein change: p.Arg2181Gln; replaces arginine 2181 with glutamine.
Molecular consequence: missense variant.
Genome position (GRCh38, 1-based): chr6:87,260,171, G>A. VCF-style: chr6-87260171-G-A. GRCh37 (hg19) VCF-style: chr6-87969889-G-A.
Other names: c.6122G>A, p.Arg2041Gln (NM_001351444.2); short protein forms R2041Q, R2181Q.
Identifiers: ClinVar variation 3381231 (VCV003381231.2).

ClinVar aggregate classification (germline): Uncertain significance (1 of 4 stars; one submission).

Conditions:
Intellectual developmental disorder, autosomal dominant 64. Also called: MENTAL RETARDATION, AUTOSOMAL DOMINANT 64. Identifiers: MedGen C5543067, MONDO:0030934, OMIM 619188.

gnomAD v4.1: 12 of 1,612,640 alleles (0.00074%); highest among the groups gnomAD compares: South Asian, 0.0022%; no homozygotes.

Submission:

Servicio de Genética Del Instituto Nacional de Salud Del Niño, Ministerio de Salud
Classification: Uncertain significance for Intellectual developmental disorder, autosomal dominant 64. Last evaluated: 2024-11-18. Review status: criteria provided, single submitter. Criteria: ACMG Guidelines, 2015. Collection method: clinical testing. Allele origin: germline. Inheritance: Autosomal dominant inheritance.
Comment: The variant NM_015021.3:c.6542G>A, p.Arg2181Gln results in the substitution of arginine with glutamine at position 2181 in the protein. Arginine is a positively charged amino acid, and its replacement by the neutral glutamine may alter the protein’s function or structure. According to ACMG/AMP guidelines, PM2 (low frequency in population databases) suggests that this variant is unlikely to be a common benign polymorphism. This raises the possibility that the variant may be associated with disease, but additional evidence is necessary to establish its pathogenicity. As of now, it is classified as uncertain significance.